The following is an entry in ClinVar:

NM_001267550.2(TTN):c.97901G>A (p.Gly32634Asp)

Genes: TTN (titin; minus strand), TTN-AS1 (TTN antisense RNA 1; plus strand). Cytogenetic location: 2q31.2.
Variant type: single nucleotide variant.
Coding change: c.97901G>A on transcript NM_001267550.2 (MANE Select); coding-DNA position 97901, G replaced by A.
Protein change: p.Gly32634Asp; replaces glycine 32634 with aspartic acid.
Molecular consequence: missense variant.
Genome position (GRCh38, 1-based): chr2:178,540,265, C>T on the plus strand (G>A on the coding strand, the complement: TTN is on the minus strand). VCF-style: chr2-178540265-C-T. GRCh37 (hg19) VCF-style: chr2-179404992-C-T.
Other names: c.71282G>A, p.Gly23761Asp (NM_133437.4); c.92978G>A, p.Gly30993Asp (NM_001256850.1); c.70706G>A, p.Gly23569Asp (NM_003319.4); c.90197G>A, p.Gly30066Asp (NM_133378.4); c.71081G>A, p.Gly23694Asp (NM_133432.3); short protein forms G23694D, G30066D, G30993D, G23761D, G32634D, G23569D.
Identifiers: ClinVar variation 1757009 (VCV001757009.2), dbSNP rs752930173, ClinGen allele CA349436025.
Genomic context (GRCh38, chr2:178,540,265, plus strand): 5'-GGAGTGGTGTTACACTTGGTCCATTCATGTTGATCTACTTTTTGCATTTCAATCAAGTAG[C>T]CTGTGACTTTAGATCCTCCTTCATCTTCTGGAACACTCCAGGCCAGGGAGACTGATGTCC-3'
Protein context (NP_001254479.2, residues 32624-32644): PEDEGGSKVT[Gly32634Asp]YLIEMQKVDQ

ClinVar aggregate classification (germline): Uncertain significance (1 of 4 stars; one submission).

Conditions:
Cardiovascular phenotype. Identifiers: MedGen CN230736.

gnomAD v4.1: 3 of 1,613,720 alleles (0.00019%); highest among the groups gnomAD compares: African/African-American, 0.0027%; no homozygotes.

Submission:

Ambry Genetics
Classification: Uncertain significance for Cardiovascular phenotype. Last evaluated: 2018-12-26. Review status: criteria provided, single submitter. Criteria: Ambry Variant Classification Scheme 2023. Collection method: clinical testing. Allele origin: germline.
Comment: The p.G23569D variant (also known as c.70706G>A), located in coding exon 178 of the TTN gene, results from a G to A substitution at nucleotide position 70706. The glycine at codon 23569 is replaced by aspartic acid, an amino acid with similar properties. This amino acid position is highly conserved in available vertebrate species. In addition, this alteration is predicted to be probably damaging and unknown by PolyPhen and SIFT in silico analyses, respectively. Since supporting evidence is limited at this time, the clinical significance of this alteration remains unclear.